The following is an entry in ClinVar:

ClinVar aggregate classification (germline): Likely pathogenic (1 of 4 stars; one submission).

Submission:

Labcorp Genetics (formerly Invitae), Labcorp
Classification: Likely pathogenic. Last evaluated: 2021-08-11. Review status: criteria provided, single submitter. Criteria: Invitae Variant Classification Sherloc (09022015). Collection method: clinical testing. Allele origin: germline.
Comment: This sequence change affects a donor splice site in intron 32 of the NBAS gene. It is expected to disrupt RNA splicing. Variants that disrupt the donor or acceptor splice site typically lead to a loss of protein function (PMID: 16199547), and loss-of-function variants in NBAS are known to be pathogenic (PMID: 26073778, 26541327, 27789416, 28031453). This variant is not present in population databases (ExAC no frequency). This variant has not been reported in the literature in individuals affected with NBAS-related conditions. Algorithms developed to predict the effect of sequence changes on RNA splicing suggest that this variant may disrupt the consensus splice site. In summary, the currently available evidence indicates that the variant is pathogenic, but additional data are needed to prove that conclusively. Therefore, this variant has been classified as Likely Pathogenic.

Literature cited by the submitters: PubMed 16199547; PubMed 26073778; PubMed 26541327; PubMed 27789416; PubMed 28031453.

NM_015909.4(NBAS):c.3817+2T>C

Gene: NBAS (NBAS subunit of NRZ tethering complex; minus strand). Cytogenetic location: 2p24.3.
Variant type: single nucleotide variant.
Coding change: c.3817+2T>C on transcript NM_015909.4 (MANE Select); the canonical splice donor site of the intron after coding-DNA position 3817, T replaced by C.
Molecular consequence: splice donor variant.
Genome position (GRCh38, 1-based): chr2:15,366,578, A>G on the plus strand (T>C on the coding strand, the complement: NBAS is on the minus strand). VCF-style: chr2-15366578-A-G. GRCh37 (hg19) VCF-style: chr2-15506702-A-G.
Identifiers: ClinVar variation 1507363 (VCV001507363.6), dbSNP rs2148339573, ClinGen allele CA345894146.